The following is an entry in ClinVar:

NC_000019.9:g.(?_13136156)_(13151380_?)del

Gene: NFIX (nuclear factor I X; plus strand). Cytogenetic location: 19p13.2.
Variant type: Deletion.
Identifiers: ClinVar variation 2424061 (VCV002424061.6).

ClinVar aggregate classification (germline): Likely pathogenic (1 of 4 stars; one submission).

Conditions:
Marshall-Smith syndrome (MRSHSS). Identifiers: Orphanet 561, MedGen C0265211, MONDO:0011244, OMIM 602535.
Malan overgrowth syndrome (MALNS). Also called: Sotos syndrome 2; MALAN SYNDROME; NFIX-Related Malan Syndrome. Identifiers: Orphanet 420179, MedGen C3553660, MONDO:0013885, OMIM 614753.

Submission:

Labcorp Genetics (formerly Invitae), Labcorp
Classification: Likely pathogenic for Malan overgrowth syndrome; Marshall-Smith syndrome. Last evaluated: 2021-11-10. Review status: criteria provided, single submitter. Criteria: Invitae Variant Classification Sherloc (09022015). Collection method: clinical testing. Allele origin: germline.
Comment: This variant results in the deletion of part of exon 2 (c.373_583+15014delins17) of the NFIX gene. It is expected to disrupt RNA splicing. Variants that disrupt the donor or acceptor splice site typically lead to a loss of protein function (PMID: 16199547), and loss-of-function variants in NFIX are known to be pathogenic (PMID: 20673863, 20949508, 24924640, 25118028). This variant has been observed in individual(s) with NFIX-related conditions (Invitae). This variant disrupts a region of the NFIX protein in which other variant(s) (p.Trp135Arg) have been observed in individuals with NFIX-related conditions (Invitae). This suggests that this is a clinically significant region of the protein, and that variants that disrupt it are likely to be disease-causing. In summary, the currently available evidence indicates that the variant is pathogenic, but additional data are needed to prove that conclusively. Therefore, this variant has been classified as Likely Pathogenic.

Literature cited by the submitters: PubMed 16199547; PubMed 20673863; PubMed 20949508; PubMed 24924640; PubMed 25118028.